The following is an entry in ClinVar:

ClinVar aggregate classification (germline): Benign/Likely benign. Review status: criteria provided, multiple submitters, no conflicts (2 of 4 stars). 3 submissions from 3 submitters: Benign (1); Likely benign (2). Last evaluated 2025-07-29.

Conditions:
Hereditary nonpolyposis colorectal neoplasms. Identifiers: MedGen C0009405, MeSH D003123.
Hereditary cancer-predisposing syndrome. Also called: Neoplastic Syndromes, Hereditary; Tumor predisposition; Hereditary Cancer Syndrome; Hereditary neoplastic syndrome. Identifiers: Orphanet 140162, MedGen C0027672, MeSH D009386, MONDO:0015356.
Lynch syndrome 5 (LYNCH5). Also called: Colorectal cancer, hereditary nonpolyposis, type 5; Hereditary non-polyposis colorectal cancer, type 5. Identifiers: Orphanet 144, MedGen C1833477, MONDO:0013710, OMIM 614350. Disease mechanism: loss of function.

Submissions (3):

Labcorp Genetics (formerly Invitae), Labcorp
Classification: Likely benign for Hereditary nonpolyposis colorectal neoplasms. Last evaluated: 2025-07-29. Review status: criteria provided, single submitter. Criteria: Invitae Variant Classification Sherloc (09022015). Collection method: clinical testing. Allele origin: germline.

Myriad Genetics, Inc.
Classification: Benign for Lynch syndrome 5. Last evaluated: 2025-01-02. Review status: criteria provided, single submitter. Criteria: Myriad Autosomal Dominant, Autosomal Recessive and X-Linked Classification Criteria (2023). Collection method: clinical testing. Allele origin: unknown.
Comment: This variant is considered benign. This variant is a silent/synonymous amino acid change and it is not expected to impact splicing.

Color Diagnostics, LLC DBA Color Health
Classification: Likely benign for Hereditary cancer-predisposing syndrome. Last evaluated: 2020-02-09. Review status: criteria provided, single submitter. Criteria: ACMG Guidelines, 2015. Collection method: clinical testing. Allele origin: germline.

NM_000179.3(MSH6):c.2898C>A (p.Thr966=)

Gene: MSH6 (mutS homolog 6; plus strand). Cytogenetic location: 2p16.3.
Variant type: single nucleotide variant.
Coding change: c.2898C>A on transcript NM_000179.3 (MANE Select); coding-DNA position 2898, C replaced by A.
Protein change: p.Thr966=; no amino-acid change (threonine 966 retained).
Molecular consequence: synonymous variant.
Genome position (GRCh38, 1-based): chr2:47,800,881, C>A. VCF-style: chr2-47800881-C-A. GRCh37 (hg19) VCF-style: chr2-48028020-C-A.
Other names: c.2508C>A, p.Thr836= (NM_001281492.2); c.1992C>A, p.Thr664= (NM_001281493.2, NM_001281494.2).
Identifiers: ClinVar variation 920349 (VCV000920349.8), dbSNP rs772786755, ClinGen allele CA426122008.
Genomic context (GRCh38, chr2:47,800,881, plus strand): 5'-AAATGAACAGAGCCTCCTGGAATACCTAGAGAAACAGCGCAACAGAATTGGCTGTAGGAC[C>A]ATAGTCTATTGGGGGATTGGTAGGAACCGTTACCAGCTGGAAATTCCTGAGAATTTCACC-3'
Protein context (NP_000170.1, residues 956-976): EKQRNRIGCR[Thr966=]IVYWGIGRNR